The following is an entry in ClinVar:

ClinVar aggregate classification (germline): Uncertain significance. Review status: criteria provided, multiple submitters, no conflicts (2 of 4 stars). 2 submissions from 2 submitters: Uncertain significance (2). Last evaluated 2022-06-20.

Conditions:
Deficiency of alpha-mannosidase (MANSA). Also called: LYSOSOMAL ALPHA-D-MANNOSIDASE DEFICIENCY; Mannosidosis, alpha-, types I and II; Alpha-Mannosidosis. Identifiers: Orphanet 61, MedGen C0024748, MONDO:0009561, OMIM 248500.

Allele frequency attached by ClinVar (database versions not stated): TOPMed 0.00001.

Submissions (2):

Revvity Omics, Revvity
Classification: Uncertain significance for Deficiency of alpha-mannosidase. Last evaluated: 2022-06-20. Review status: criteria provided, single submitter. Criteria: ACMG Guidelines, 2015. Collection method: clinical testing. Allele origin: germline.

Labcorp Genetics (formerly Invitae), Labcorp
Classification: Uncertain significance for Deficiency of alpha-mannosidase. Last evaluated: 2022-03-09. Review status: criteria provided, single submitter. Criteria: Invitae Variant Classification Sherloc (09022015). Collection method: clinical testing. Allele origin: germline.
Comment: This sequence change replaces alanine, which is neutral and non-polar, with valine, which is neutral and non-polar, at codon 3 of the MAN2B1 protein (p.Ala3Val). This variant is present in population databases (no rsID available, gnomAD 0.006%). This variant has not been reported in the literature in individuals affected with MAN2B1-related conditions. Algorithms developed to predict the effect of missense changes on protein structure and function output the following: SIFT: "Tolerated"; PolyPhen-2: "Benign"; Align-GVGD: "Class C0". The valine amino acid residue is found in multiple mammalian species, which suggests that this missense change does not adversely affect protein function. In summary, the available evidence is currently insufficient to determine the role of this variant in disease. Therefore, it has been classified as a Variant of Uncertain Significance.

NM_000528.4(MAN2B1):c.8C>T (p.Ala3Val)

Genes: MAN2B1 (mannosidase alpha class 2B member 1; minus strand), LOC130063650 (ATAC-STARR-seq lymphoblastoid silent region 10156; plus strand). Cytogenetic location: 19p13.13.
Variant type: single nucleotide variant.
Coding change: c.8C>T on transcript NM_000528.4 (MANE Select); coding-DNA position 8, C replaced by T.
Protein change: p.Ala3Val; replaces alanine 3 with valine.
Molecular consequence: missense variant.
Genome position (GRCh38, 1-based): chr19:12,666,694, G>A on the plus strand (C>T on the coding strand, the complement: MAN2B1 is on the minus strand). VCF-style: chr19-12666694-G-A. GRCh37 (hg19) VCF-style: chr19-12777508-G-A.
Other names: c.8C>T, p.Ala3Val (NM_001173498.2); short protein forms A3V.
Identifiers: ClinVar variation 2172234 (VCV002172234.4), dbSNP rs991079968, ClinGen allele CA305479289.
Genomic context (GRCh38, chr19:12,666,694, plus strand): 5'-GTCCAGGGGCCTGCTGAGTCCAGGCAGCCGCGAGCGCAGACCCCCGAAGCCCGCGCGTAG[G>A]CGCCCATGGCTCAGCAGCTTCCTCCTGGGGTTCCCCGGCCCTGGAAAGGCCGGGCAAACG-3'
Protein context (NP_000519.2, residues 1-13): MG[Ala3Val]YARASGVCAR